The following is an entry in ClinVar:

NM_001267550.2(TTN):c.103907G>A (p.Arg34636His)

Genes: TTN (titin; minus strand), TTN-AS1 (TTN antisense RNA 1; plus strand). Cytogenetic location: 2q31.2.
Variant type: single nucleotide variant.
Coding change: c.103907G>A on transcript NM_001267550.2 (MANE Select); coding-DNA position 103907, G replaced by A.
Protein change: p.Arg34636His; replaces arginine 34636 with histidine.
Molecular consequence: missense variant.
Genome position (GRCh38, 1-based): chr2:178,532,708, C>T on the plus strand (G>A on the coding strand, the complement: TTN is on the minus strand). VCF-style: chr2-178532708-C-T. GRCh37 (hg19) VCF-style: chr2-179397435-C-T.
Other names: c.98984G>A, p.Arg32995His (NM_001256850.1); c.76712G>A, p.Arg25571His (NM_003319.4); c.96203G>A, p.Arg32068His (NM_133378.4); c.77087G>A, p.Arg25696His (NM_133432.3); c.77288G>A, p.Arg25763His (NM_133437.4); short protein forms R25571H, R25696H, R25763H, R32068H, R32995H, R34636H.
Identifiers: ClinVar variation 2672835 (VCV002672835.25), dbSNP rs201897825, ClinGen allele CA1985525.
Genomic context (GRCh38, chr2:178,532,708, plus strand): 5'-CCAAGAGAACGTCTTCTAGGTCGGTAGTAAAAGTCATAATCAGGAGAAGGTGTACGCCGG[C>T]GGGCTGGTCTCACTATCTCAAGATCATCTTGGGACAGTTTAGGAATACGCCATTTAGGTC-3'
Protein context (NP_001254479.2, residues 34626-34646): QDDLEIVRPA[Arg34636His]RRTPSPDYDF

ClinVar aggregate classification (germline): Uncertain significance. Review status: criteria provided, multiple submitters, no conflicts (2 of 4 stars). 2 submissions from 2 submitters: Uncertain significance (2). Last evaluated 2025-04-25.

Allele frequency attached by ClinVar (database versions not stated): gnomAD exomes 0.00001; ExAC 0.00002; gnomAD 0.00003; TOPMed 0.00003; ESP Exome Variant Server 0.00008.
gnomAD v4.1: 15 of 1,613,788 alleles (0.00093%); highest among the groups gnomAD compares: Admixed American, 0.01%; no homozygotes.

Submissions (2):

Women's Health and Genetics/Laboratory Corporation of America, LabCorp
Classification: Uncertain significance. Last evaluated: 2025-04-25. Review status: criteria provided, single submitter. Criteria: LabCorp Variant Classification Summary - May 2015. Collection method: clinical testing. Allele origin: germline.

CeGaT Center for Human Genetics Tuebingen
Classification: Uncertain significance. Last evaluated: 2023-11-01. Review status: criteria provided, single submitter. Criteria: CeGaT Center For Human Genetics Tuebingen Variant Classification Criteria Version 2. Collection method: clinical testing. Allele origin: germline. Affected: yes. Observed: 1 variant allele.
Comment: TTN: PM2